The following is an entry in ClinVar:

ClinVar aggregate classification (germline): Uncertain significance (1 of 4 stars; one submission).

Conditions:
Primary ciliary dyskinesia. Also called: Ciliary dyskinesia. Identifiers: Orphanet 244, MedGen C0008780, MONDO:0016575, HP:0012265.

Submission:

Department of Human Genetics, Hannover Medical School
Classification: Uncertain significance for Primary Ciliary Dyskinesia. Last evaluated: 2026-04-01. Review status: criteria provided, single submitter. Criteria: ACMG Guidelines, 2015. Collection method: research. Allele origin: germline. Affected: no.
Comment: Classification performed by HerediClassify using the following criteria:['PM2_supporting: Variant occures does not occur as homozygous in gnomAD.', 'PP3_protein_moderate: Variant is predicted to be pathogenic by REVEL with evidence strength moderate.', "PP4_moderate: The modified PICADAR socre of 6.0 exceeds threshold of 5 achieving 'strong' evidence strength."]

NM_022128.3(RBKS):c.65G>T (p.Gly22Val)

Genes: BABAM2 (BRISC and BRCA1 A complex member 2; plus strand), BABAM2-AS1 (BABAM2 antisense RNA 1; minus strand), RBKS (ribokinase; minus strand). Cytogenetic location: 2p23.2.
Variant type: single nucleotide variant.
Coding change: c.65G>T on transcript NM_022128.3 (MANE Select); coding-DNA position 65, G replaced by T.
Protein change: p.Gly22Val; replaces glycine 22 with valine.
Molecular consequence: missense variant. On other transcripts: non-coding transcript variant (1), 5 prime UTR variant (1), intron variant (1).
Genome position (GRCh38, 1-based): chr2:27,890,281, C>A on the plus strand (G>T on the coding strand, the complement: RBKS is on the minus strand). VCF-style: chr2-27890281-C-A. GRCh37 (hg19) VCF-style: chr2-28113148-C-A.
Other names: c.-1256G>T (NM_001287580.2); c.-25+1526C>A (NM_001329112.1); short protein forms G22V.
Identifiers: ClinVar variation 4880107 (VCV004880107.1).